The following is an entry in ClinVar:

NM_172351.3(CD46):c.982+14T>G

Gene: CD46 (CD46 molecule; plus strand). Cytogenetic location: 1q32.2.
Variant type: single nucleotide variant.
Coding change: c.982+14T>G on transcript NM_172351.3 (MANE Select); 14 bases into the intron after coding-DNA position 982, T replaced by G.
Molecular consequence: intron variant.
Genome position (GRCh38, 1-based): chr1:207,783,344, T>G. VCF-style: chr1-207783344-T-G. GRCh37 (hg19) VCF-style: chr1-207956689-T-G.
Other names: c.1027+14T>G (NM_002389.4, NM_172359.3); c.982+14T>G (NM_153826.4, NM_172358.3); c.940+14T>G (NM_172355.3, NM_172356.3); c.937+14T>G (NM_172352.3, NM_172353.3, NM_172350.3); c.895+14T>G (NM_172357.3, NM_172361.3).
Identifiers: ClinVar variation 2872504 (VCV002872504.3), dbSNP rs2526721034, ClinGen allele CA2650282166.

ClinVar aggregate classification (germline): Uncertain significance (1 of 4 stars; one submission).

Submission:

Labcorp Genetics (formerly Invitae), Labcorp
Classification: Uncertain significance. Last evaluated: 2022-11-02. Review status: criteria provided, single submitter. Criteria: Invitae Variant Classification Sherloc (09022015). Collection method: clinical testing. Allele origin: germline.
Comment: This variant is not present in population databases (gnomAD no frequency). This sequence change falls in intron 10 of the CD46 gene. It does not directly change the encoded amino acid sequence of the CD46 protein. In summary, the available evidence is currently insufficient to determine the role of this variant in disease. Therefore, it has been classified as a Variant of Uncertain Significance. Algorithms developed to predict the effect of sequence changes on RNA splicing suggest that this variant may disrupt the consensus splice site. This variant has not been reported in the literature in individuals affected with CD46-related conditions.